The following is an entry in ClinVar:

ClinVar aggregate classification (germline): Likely benign. Review status: criteria provided, multiple submitters, no conflicts (2 of 4 stars). 3 submissions from 3 submitters: Likely benign (3). Last evaluated 2026-06-24.

Conditions:
ATP2B2-related disorder. Also called: ATP2B2-related condition.

gnomAD v4.1: 9 of 1,608,714 alleles (0.00056%); highest among the groups gnomAD compares: East Asian, 0.0045%; no homozygotes.

Submissions (3):

PreventionGenetics, part of Exact Sciences
Classification: Likely benign for ATP2B2-related condition. Last evaluated: 2026-06-24. Review status: criteria provided, single submitter. Criteria: ACMG Guidelines, 2015. Collection method: clinical testing. Allele origin: germline.
Comment: This variant is classified as likely benign based on ACMG/AMP sequence variant interpretation guidelines (Richards et al. 2015 PMID: 25741868, with internal and published modifications).

Labcorp Genetics (formerly Invitae), Labcorp
Classification: Likely benign. Last evaluated: 2024-07-09. Review status: criteria provided, single submitter. Criteria: Invitae Variant Classification Sherloc (09022015). Collection method: clinical testing. Allele origin: germline.

Blueprint Genetics
Classification: Likely benign. Last evaluated: 2022-07-26. Review status: criteria provided, single submitter. Criteria: ACMG Guidelines, 2015. Collection method: clinical testing. Allele origin: germline.

NM_001001331.4(ATP2B2):c.1117A>C (p.Arg373=)

Gene: ATP2B2 (ATPase plasma membrane Ca2+ transporting 2; minus strand). Cytogenetic location: 3p25.3.
Variant type: single nucleotide variant.
Coding change: c.1117A>C on transcript NM_001001331.4 (MANE Select); coding-DNA position 1117, A replaced by C.
Protein change: p.Arg373=; no amino-acid change (arginine 373 retained).
Molecular consequence: synonymous variant.
Genome position (GRCh38, 1-based): chr3:10,378,336, T>G on the plus strand (A>C on the coding strand, the complement: ATP2B2 is on the minus strand). VCF-style: chr3-10378336-T-G. GRCh37 (hg19) VCF-style: chr3-10420020-T-G.
Other names: c.982A>C, p.Arg328= (NM_001330611.3, NM_001353564.1, NM_001363862.1 and 1 more transcripts); c.982A>C (NM_001683.3).
Identifiers: ClinVar variation 3604873 (VCV003604873.4).